The following is an entry in ClinVar:

ClinVar aggregate classification (germline): Uncertain significance (1 of 4 stars; one submission).

Conditions:
Dyskeratosis congenita, autosomal dominant 1 (DKCA1). Also called: Dyskeratosis congenita Scoggins type. Identifiers: Orphanet 1775, MedGen C4551974, MONDO:0007485, OMIM 127550. Inheritance: Variable.

Allele frequency attached by ClinVar (database versions not stated): ExAC below 0.00001.
gnomAD v4.1: 6 of 761,376 alleles (0.00079%); highest among the groups gnomAD compares: Non-Finnish European, 0.00072%; no homozygotes.

Submission:

Labcorp Genetics (formerly Invitae), Labcorp
Classification: Uncertain significance for Dyskeratosis congenita, autosomal dominant 1. Last evaluated: 2023-11-28. Review status: criteria provided, single submitter. Criteria: Invitae Variant Classification Sherloc (09022015). Collection method: clinical testing. Allele origin: germline.
Comment: This variant occurs in the TERC gene, which encodes an RNA molecule that does not result in a protein product. This variant is not present in population databases (gnomAD no frequency). This variant has not been reported in the literature in individuals affected with TERC-related conditions. ClinVar contains an entry for this variant (Variation ID: 939334). This variant is located within the BoxH/ACA scaRNA domain of the TERC RNA component, which is required for telomerase activity (PMID: 21844345). In summary, the available evidence is currently insufficient to determine the role of this variant in disease. Therefore, it has been classified as a Variant of Uncertain Significance.

Literature cited by the submitters: PubMed 21844345.

NC_000003.12:g.169764701G>T

Genes: TERC (telomerase RNA component; minus strand), LOC110806306 (telomerase RNA component (TERC) promoter; plus strand). Cytogenetic location: 3q26.2.
Variant type: single nucleotide variant.
Genome position: GRCh38 VCF-style: chr3-169764701-G-T. GRCh37 (hg19) VCF-style: chr3-169482489-G-T.
Identifiers: ClinVar variation 939334 (VCV000939334.10), dbSNP rs777348518, ClinGen allele CA2696792.